The following is an entry in ClinVar:

ClinVar aggregate classification (germline): Uncertain significance (1 of 4 stars; one submission).

Conditions:
Diamond-Blackfan anemia. Also called: Blackfan Diamond syndrome; Aregenerative anemia chronic congenital; Red cell aplasia, pure hereditary; Congenital hypoplastic anemia; Aase syndrome. Identifiers: Orphanet 124, MedGen C1260899, MeSH D029503, MONDO:0015253, HP:0004810.
GATA binding protein 1 related thrombocytopenia with dyserythropoiesis. Also called: GATA1-Related Cytopenia; GATA1-Related X-Linked Cytopenia. Identifiers: MedGen C1845837, MONDO:0100089.

Submission:

Labcorp Genetics (formerly Invitae), Labcorp
Classification: Uncertain significance for GATA binding protein 1 related thrombocytopenia with dyserythropoiesis; Diamond-Blackfan anemia. Last evaluated: 2021-07-15. Review status: criteria provided, single submitter. Criteria: Invitae Variant Classification Sherloc (09022015). Collection method: clinical testing. Allele origin: germline.
Comment: In summary, the available evidence is currently insufficient to determine the role of this variant in disease. Therefore, it has been classified as a Variant of Uncertain Significance. Algorithms developed to predict the effect of missense changes on protein structure and function (SIFT, PolyPhen-2, Align-GVGD) all suggest that this variant is likely to be tolerated. This variant has not been reported in the literature in individuals affected with GATA1-related conditions. This variant is not present in population databases (ExAC no frequency). This sequence change replaces alanine with proline at codon 66 of the GATA1 protein (p.Ala66Pro). The alanine residue is weakly conserved and there is a small physicochemical difference between alanine and proline.

NM_002049.4(GATA1):c.196G>C (p.Ala66Pro)

Gene: GATA1 (GATA binding protein 1; plus strand). Cytogenetic location: Xp11.23.
Variant type: single nucleotide variant.
Coding change: c.196G>C on transcript NM_002049.4 (MANE Select); coding-DNA position 196, G replaced by C.
Protein change: p.Ala66Pro; replaces alanine 66 with proline.
Molecular consequence: missense variant.
Genome position (GRCh38, 1-based): chrX:48,791,305, G>C. VCF-style: chrX-48791305-G-C. GRCh37 (hg19) VCF-style: chrX-48649712-G-C.
Other names: short protein forms A66P.
Identifiers: ClinVar variation 1405760 (VCV001405760.8), dbSNP rs149753411, ClinGen allele CA412867239.